The following is an entry in ClinVar:

NM_001130009.3(GEN1):c.1048dup (p.Arg350fs)

Gene: GEN1 (GEN1 structure-specific endonuclease; plus strand). Cytogenetic location: 2p24.2.
Variant type: Duplication.
Coding change: c.1048dup on transcript NM_001130009.3 (MANE Select); coding-DNA position 1048, one base duplicated (A; older notation c.1048dupA).
Protein change: p.Arg350fs; shifts the reading frame from arginine 350.
Molecular consequence: frameshift variant.
Genome position (GRCh38, 1-based): chr2:17,773,276, A duplicated; the last of 3 consecutive A bases (chr2:17,773,274-17,773,276); duplicating any one gives the same sequence. VCF-style (leftmost placement, unchanged base first): chr2-17773273-C-CA. GRCh37 (hg19) VCF-style: chr2-17954540-C-CA.
Other names: c.1048dup, p.Arg350fs (NM_182625.5); short protein forms R350fs.
Identifiers: ClinVar variation 1968830 (VCV001968830.5), dbSNP rs2545589903, ClinGen allele CA2580063672.

ClinVar aggregate classification (germline): Uncertain significance (1 of 4 stars; one submission).

Submission:

Labcorp Genetics (formerly Invitae), Labcorp
Classification: Uncertain significance. Last evaluated: 2022-01-25. Review status: criteria provided, single submitter. Criteria: Invitae Variant Classification Sherloc (09022015). Collection method: clinical testing. Allele origin: germline.
Comment: In summary, the available evidence is currently insufficient to determine the role of this variant in disease. Therefore, it has been classified as a Variant of Uncertain Significance. This variant has not been reported in the literature in individuals affected with GEN1-related conditions. This variant is not present in population databases (gnomAD no frequency). This sequence change creates a premature translational stop signal (p.Arg350Lysfs*3) in the GEN1 gene. It is expected to result in an absent or disrupted protein product. However, the current clinical and genetic evidence is not sufficient to establish whether loss-of-function variants in GEN1 cause disease.